The following is an entry in ClinVar:

ClinVar aggregate classification (germline): Uncertain significance (1 of 4 stars; one submission).

Conditions:
Hereditary insensitivity to pain with anhidrosis (CIPA). Also called: NTRK1 Congenital Insensitivity to Pain with Anhidrosis; INSENSITIVITY TO PAIN, CONGENITAL, WITH ANHIDROSIS; hereditary sensory and autonomic neuropathy type 4; HSAN Type IV; FAMILIAL DYSAUTONOMIA, TYPE II; NEUROPATHY, CONGENITAL SENSORY, WITH ANHIDROSIS. Identifiers: Orphanet 642, MedGen C0020074, MONDO:0009746, OMIM 256800.

Allele frequency attached by ClinVar (database versions not stated): gnomAD exomes below 0.00001.
gnomAD v4.1: 1 of 1,614,120 alleles (0.000062%); highest among the groups gnomAD compares: Non-Finnish European, 0.000085%; no homozygotes.

Submission:

Labcorp Genetics (formerly Invitae), Labcorp
Classification: Uncertain significance for Hereditary insensitivity to pain with anhidrosis. Last evaluated: 2022-08-08. Review status: criteria provided, single submitter. Criteria: Invitae Variant Classification Sherloc (09022015). Collection method: clinical testing. Allele origin: germline.
Comment: In summary, the available evidence is currently insufficient to determine the role of this variant in disease. Therefore, it has been classified as a Variant of Uncertain Significance. Algorithms developed to predict the effect of sequence changes on RNA splicing suggest that this variant may create or strengthen a splice site. Advanced modeling of protein sequence and biophysical properties (such as structural, functional, and spatial information, amino acid conservation, physicochemical variation, residue mobility, and thermodynamic stability) performed at Invitae indicates that this missense variant is not expected to disrupt NTRK1 protein function. This variant has not been reported in the literature in individuals affected with NTRK1-related conditions. This variant is not present in population databases (gnomAD no frequency). This sequence change replaces glycine, which is neutral and non-polar, with glutamic acid, which is acidic and polar, at codon 91 of the NTRK1 protein (p.Gly91Glu).

NM_002529.4(NTRK1):c.272G>A (p.Gly91Glu)

Gene: NTRK1 (neurotrophic receptor tyrosine kinase 1; plus strand). Cytogenetic location: 1q23.1.
Variant type: single nucleotide variant.
Coding change: c.272G>A on transcript NM_002529.4 (MANE Select); coding-DNA position 272, G replaced by A.
Protein change: p.Gly91Glu; replaces glycine 91 with glutamic acid.
Molecular consequence: missense variant.
Genome position (GRCh38, 1-based): chr1:156,864,413, G>A. VCF-style: chr1-156864413-G-A. GRCh37 (hg19) VCF-style: chr1-156834205-G-A.
Other names: c.272G>A, p.Gly91Glu (NM_001007204.1, NM_001012331.2); c.182G>A, p.Gly61Glu (NM_001007792.1); short protein forms G91E, G61E.
Identifiers: ClinVar variation 1896358 (VCV001896358.5), dbSNP rs1655828420, ClinGen allele CA342931849.